The following is an entry in ClinVar:

NM_001347721.2(DYRK1A):c.1229G>C (p.Gly410Ala)

Gene: DYRK1A (dual specificity tyrosine phosphorylation regulated kinase 1A; plus strand). Cytogenetic location: 21q22.13.
Variant type: single nucleotide variant.
Coding change: c.1229G>C on transcript NM_001347721.2 (MANE Select); coding-DNA position 1229, G replaced by C.
Protein change: p.Gly410Ala; replaces glycine 410 with alanine.
Molecular consequence: missense variant.
Genome position (GRCh38, 1-based): chr21:37,505,299, G>C. VCF-style: chr21-37505299-G-C. GRCh37 (hg19) VCF-style: chr21-38877602-G-C.
Other names: c.1229G>C, p.Gly410Ala (NM_001347722.2, NM_130436.2); c.1142G>C, p.Gly381Ala (NM_001347723.2); c.1256G>C, p.Gly419Ala (NM_001396.5, NM_101395.2, NM_130438.2); short protein forms G410A, G419A, G381A.
Identifiers: ClinVar variation 660992 (VCV000660992.10), dbSNP rs978604744, ClinGen allele CA320464449.
Genomic context (GRCh38, chr21:37,505,299, plus strand): 5'-ATTCCACCAAATTTAGAGAAAGCCTTTCATCTTCTCTCTTACAGGAGTACAAACCACCAG[G>C]AACCCGTAAACTTCATAACATTCTTGGAGTGGAAACAGGAGGACCTGGTGGGCGACGTGC-3'
Protein context (NP_001334650.1, residues 400-420): KDGKREYKPP[Gly410Ala]TRKLHNILGV

ClinVar aggregate classification (germline): Uncertain significance (1 of 4 stars; one submission).

Conditions:
DYRK1A-related intellectual disability syndrome (MRD7). Also called: Intellectual developmental disorder, autosomal dominant 7; DYRK1A Syndrome. Identifiers: Orphanet 464306, MedGen C5568143, MONDO:0013578, OMIM 614104.

Allele frequency attached by ClinVar (database versions not stated): gnomAD 0.00001; gnomAD exomes 0.00001 and 0.00002; TOPMed 0.00001.
gnomAD v4.1: 9 of 1,610,450 alleles (0.00056%); highest among the groups gnomAD compares: Non-Finnish European, 0.00076%; no homozygotes.

Submission:

Labcorp Genetics (formerly Invitae), Labcorp
Classification: Uncertain significance for DYRK1A-related intellectual disability syndrome. Last evaluated: 2025-03-30. Review status: criteria provided, single submitter. Criteria: Invitae Variant Classification Sherloc (09022015). Collection method: clinical testing. Allele origin: germline.
Comment: This sequence change replaces glycine, which is neutral and non-polar, with alanine, which is neutral and non-polar, at codon 419 of the DYRK1A protein (p.Gly419Ala). This variant is present in population databases (no rsID available, gnomAD 0.004%). This variant has not been reported in the literature in individuals affected with DYRK1A-related conditions. ClinVar contains an entry for this variant (Variation ID: 660992). Invitae Evidence Modeling of protein sequence and biophysical properties (such as structural, functional, and spatial information, amino acid conservation, physicochemical variation, residue mobility, and thermodynamic stability) indicates that this missense variant is not expected to disrupt DYRK1A protein function with a negative predictive value of 95%. In summary, the available evidence is currently insufficient to determine the role of this variant in disease. Therefore, it has been classified as a Variant of Uncertain Significance.